The following is an entry in ClinVar:

NM_003334.4(UBA1):c.31C>T (p.Arg11Cys)

Genes: UBA1 (ubiquitin like modifier activating enzyme 1; plus strand), LOC126863253 (CDK7 strongly-dependent group 2 enhancer GRCh37_chrX:47057593-47058792; plus strand). Cytogenetic location: Xp11.3.
Variant type: single nucleotide variant.
Coding change: c.31C>T on transcript NM_003334.4 (MANE Select); coding-DNA position 31, C replaced by T.
Protein change: p.Arg11Cys; replaces arginine 11 with cysteine.
Molecular consequence: missense variant.
Genome position (GRCh38, 1-based): chrX:47,198,833, C>T. VCF-style: chrX-47198833-C-T. GRCh37 (hg19) VCF-style: chrX-47058232-C-T.
Other names: c.31C>T, p.Arg11Cys (NM_153280.3); short protein forms R11C.
Identifiers: ClinVar variation 1424507 (VCV001424507.8), dbSNP rs1556786387, ClinGen allele CA412786112.

ClinVar aggregate classification (germline): Uncertain significance (1 of 4 stars; one submission).

Conditions:
Infantile-onset X-linked spinal muscular atrophy. Also called: AMC, DISTAL, X-LINKED; ARTHROGRYPOSIS, X-LINKED, TYPE I; Spinal muscular atrophy, X-linked 2; Spinal Muscular Atrophy, X-Linked Infantile; SPINAL MUSCULAR ATROPHY, X-LINKED LETHAL INFANTILE. Identifiers: Orphanet 1145, MedGen C1844934, MONDO:0010532, OMIM 301830.

Allele frequency attached by ClinVar (database versions not stated): TOPMed below 0.00001; gnomAD exomes 0.00001; gnomAD 0.00003.
gnomAD v4.1: 11 of 1,210,359 alleles (0.00091%); highest among the groups gnomAD compares: Admixed American, 0.011%; no homozygotes.

Submission:

Labcorp Genetics (formerly Invitae), Labcorp
Classification: Uncertain significance for Infantile-onset X-linked spinal muscular atrophy. Last evaluated: 2022-08-09. Review status: criteria provided, single submitter. Criteria: Invitae Variant Classification Sherloc (09022015). Collection method: clinical testing. Allele origin: germline.
Comment: In summary, the available evidence is currently insufficient to determine the role of this variant in disease. Therefore, it has been classified as a Variant of Uncertain Significance. Algorithms developed to predict the effect of missense changes on protein structure and function output the following: SIFT: "Deleterious"; PolyPhen-2: "Benign"; Align-GVGD: "Class C0". The cysteine amino acid residue is found in multiple mammalian species, which suggests that this missense change does not adversely affect protein function. ClinVar contains an entry for this variant (Variation ID: 1424507). This variant has not been reported in the literature in individuals affected with UBA1-related conditions. This variant is present in population databases (no rsID available, gnomAD 0.008%), including at least one homozygous and/or hemizygous individual. This sequence change replaces arginine, which is basic and polar, with cysteine, which is neutral and slightly polar, at codon 11 of the UBA1 protein (p.Arg11Cys).